The following is an entry in ClinVar:

ClinVar aggregate classification (germline): Uncertain significance (1 of 4 stars; one submission).

Conditions:
RYR1-related disorder. Also called: RYR1-related condition; RYR1-related disorders. Identifiers: MedGen CN239331.

Submission:

Labcorp Genetics (formerly Invitae), Labcorp
Classification: Uncertain significance for RYR1-related disorder. Last evaluated: 2024-04-17. Review status: criteria provided, single submitter. Criteria: Invitae Variant Classification Sherloc (09022015). Collection method: clinical testing. Allele origin: germline.
Comment: This sequence change replaces alanine, which is neutral and non-polar, with proline, which is neutral and non-polar, at codon 2576 of the RYR1 protein (p.Ala2576Pro). This variant is not present in population databases (gnomAD no frequency). This variant has not been reported in the literature in individuals affected with RYR1-related conditions. Advanced modeling of protein sequence and biophysical properties (such as structural, functional, and spatial information, amino acid conservation, physicochemical variation, residue mobility, and thermodynamic stability) has been performed at Invitae for this missense variant, however the output from this modeling did not meet the statistical confidence thresholds required to predict the impact of this variant on RYR1 protein function. In summary, the available evidence is currently insufficient to determine the role of this variant in disease. Therefore, it has been classified as a Variant of Uncertain Significance.

NM_000540.3(RYR1):c.7726G>C (p.Ala2576Pro)

Gene: RYR1 (ryanodine receptor 1; plus strand). Cytogenetic location: 19q13.2.
Variant type: single nucleotide variant.
Coding change: c.7726G>C on transcript NM_000540.3 (MANE Select); coding-DNA position 7726, G replaced by C.
Protein change: p.Ala2576Pro; replaces alanine 2576 with proline.
Molecular consequence: missense variant.
Genome position (GRCh38, 1-based): chr19:38,502,618, G>C. VCF-style: chr19-38502618-G-C. GRCh37 (hg19) VCF-style: chr19-38993258-G-C.
Other names: c.7726G>C, p.Ala2576Pro (NM_001042723.2); short protein forms A2576P.
Identifiers: ClinVar variation 3636235 (VCV003636235.2).